The following is an entry in ClinVar:

ClinVar aggregate classification (germline): Uncertain significance (1 of 4 stars; one submission).

Conditions:
Hereditary spastic paraplegia 30. Identifiers: Orphanet 101010, MedGen C5235139, MONDO:0012476.
Neuropathy, hereditary sensory, type 2C. Also called: Hereditary sensory and autonomic neuropathy type IIC; KIF1A-Related HSAN2 (HSAN2C). Identifiers: Orphanet 970, MedGen C3280168, MONDO:0013634, OMIM 614213.
Intellectual disability, autosomal dominant 9 (NESCAVS). Also called: NESCAV SYNDROME; KIF1A-Related Neurodevelopmental Disorder. Identifiers: Orphanet 662367, MedGen C5393830, MONDO:0013656, OMIM 614255.

Allele frequency attached by ClinVar (database versions not stated): gnomAD exomes below 0.00001.
gnomAD v4.1: 3 of 1,607,914 alleles (0.00019%); highest among the groups gnomAD compares: Non-Finnish European, 0.00025%; no homozygotes.

Submission:

Labcorp Genetics (formerly Invitae), Labcorp
Classification: Uncertain significance for Hereditary spastic paraplegia 30; Neuropathy, hereditary sensory, type 2C; Intellectual disability, autosomal dominant 9. Last evaluated: 2022-04-25. Review status: criteria provided, single submitter. Criteria: Invitae Variant Classification Sherloc (09022015). Collection method: clinical testing. Allele origin: germline.
Comment: In summary, the available evidence is currently insufficient to determine the role of this variant in disease. Therefore, it has been classified as a Variant of Uncertain Significance. Advanced modeling of protein sequence and biophysical properties (such as structural, functional, and spatial information, amino acid conservation, physicochemical variation, residue mobility, and thermodynamic stability) performed at Invitae indicates that this missense variant is not expected to disrupt KIF1A protein function. This variant has not been reported in the literature in individuals affected with KIF1A-related conditions. This variant is not present in population databases (gnomAD no frequency). This sequence change replaces cysteine, which is neutral and slightly polar, with serine, which is neutral and polar, at codon 965 of the KIF1A protein (p.Cys965Ser).

NM_001244008.2(KIF1A):c.3197G>C (p.Cys1066Ser)

Gene: KIF1A (kinesin family member 1A; minus strand). Cytogenetic location: 2q37.3.
Variant type: single nucleotide variant.
Coding change: c.3197G>C on transcript NM_001244008.2 (MANE Select); coding-DNA position 3197, G replaced by C.
Protein change: p.Cys1066Ser; replaces cysteine 1066 with serine.
Molecular consequence: missense variant.
Genome position (GRCh38, 1-based): chr2:240,746,044, C>G on the plus strand (G>C on the coding strand, the complement: KIF1A is on the minus strand). VCF-style: chr2-240746044-C-G. GRCh37 (hg19) VCF-style: chr2-241685461-C-G.
Other names: c.2921G>C, p.Cys974Ser (NM_001320705.2, NM_001330289.2, NM_001379638.1); c.2996G>C, p.Cys999Ser (NM_001330290.2, NM_001379634.1, NM_001379635.1 and 1 more transcripts); c.3272G>C, p.Cys1091Ser (NM_001379631.1); c.3146G>C, p.Cys1049Ser (NM_001379632.1); c.3170G>C, p.Cys1057Ser (NM_001379633.1, NM_001379642.1, NM_001379645.1); c.2894G>C, p.Cys965Ser (NM_001379636.1, NM_001379639.1, NM_001379640.1 and 7 more transcripts); c.2969G>C, p.Cys990Ser (NM_001379637.1, NM_001379648.1); short protein forms C1066S, C974S, C965S, C990S, C1049S, C1057S, C1091S, C999S.
Identifiers: ClinVar variation 2038917 (VCV002038917.4), dbSNP rs917989127, ClinGen allele CA68157415.